The following is an entry in ClinVar:

NM_004526.4(MCM2):c.437G>A (p.Arg146His)

Gene: MCM2 (minichromosome maintenance complex component 2; plus strand). Cytogenetic location: 3q21.3.
Variant type: single nucleotide variant.
Coding change: c.437G>A on transcript NM_004526.4 (MANE Select); coding-DNA position 437, G replaced by A.
Protein change: p.Arg146His; replaces arginine 146 with histidine.
Molecular consequence: missense variant. On other transcripts: non-coding transcript variant (1).
Genome position (GRCh38, 1-based): chr3:127,604,920, G>A. VCF-style: chr3-127604920-G-A. GRCh37 (hg19) VCF-style: chr3-127323763-G-A.
Other names: short protein forms R146H.
Identifiers: ClinVar variation 1397616 (VCV001397616.6), dbSNP rs190889381, ClinGen allele CA2595585.

ClinVar aggregate classification (germline): Uncertain significance (1 of 4 stars; one submission).

Allele frequency attached by ClinVar (database versions not stated): gnomAD exomes 0.00002 and 0.00004; ExAC 0.00004; 1000 Genomes Project 30x 0.00016; 1000 Genomes Project 0.00020.
gnomAD v4.1: 26 of 1,612,846 alleles (0.0016%); highest among the groups gnomAD compares: Admixed American, 0.018%; no homozygotes.

Submission:

Labcorp Genetics (formerly Invitae), Labcorp
Classification: Uncertain significance. Last evaluated: 2025-06-11. Review status: criteria provided, single submitter. Criteria: Invitae Variant Classification Sherloc (09022015). Collection method: clinical testing. Allele origin: germline.
Comment: This sequence change replaces arginine, which is basic and polar, with histidine, which is basic and polar, at codon 146 of the MCM2 protein (p.Arg146His). This variant is present in population databases (rs190889381, gnomAD 0.02%). This variant has not been reported in the literature in individuals affected with MCM2-related conditions. ClinVar contains an entry for this variant (Variation ID: 1397616). An algorithm developed to predict the effect of missense changes on protein structure and function (PolyPhen-2) suggests that this variant is likely to be disruptive. In summary, the available evidence is currently insufficient to determine the role of this variant in disease. Therefore, it has been classified as a Variant of Uncertain Significance.